The following is an entry in ClinVar:

NM_001365088.1(SLC12A6):c.2260_2266delinsCTGGT (p.Asn754fs)

Gene: SLC12A6 (solute carrier family 12 member 6; minus strand). Cytogenetic location: 15q14.
Variant type: Indel.
Coding change: c.2260_2266delinsCTGGT on transcript NM_001365088.1 (MANE Select); coding-DNA positions 2260 to 2266, AACTGGA replaced by CTGGT.
Protein change: p.Asn754fs; shifts the reading frame from asparagine 754.
Molecular consequence: frameshift variant.
Genome position (GRCh38, 1-based): chr15:34,241,234-34,241,240, TCCAGTT replaced by ACCAG on the plus strand (AACTGGA replaced by CTGGT on the coding strand, the reverse complement: SLC12A6 is on the minus strand). VCF-style: chr15-34241234-TCCAGTT-ACCAG. GRCh37 (hg19) VCF-style: chr15-34533435-TCCAGTT-ACCAG.
Other names: c.2083_2089delinsCTGGT, p.Asn695fs (NM_001042494.2, NM_001042495.2); c.2233_2239delinsCTGGT, p.Asn745fs (NM_001042496.2); c.2215_2221delinsCTGGT, p.Asn739fs (NM_001042497.2); c.2107_2113delinsCTGGT, p.Asn703fs (NM_005135.2); c.2260_2266delinsCTGGT, p.Asn754fs (NM_133647.2); short protein forms N695fs, N703fs, N739fs, N745fs, N754fs.
Identifiers: ClinVar variation 1725684 (VCV001725684.2), dbSNP rs2509764027, ClinGen allele CA2580089244.

ClinVar aggregate classification (germline): Likely pathogenic (1 of 4 stars; one submission).

Conditions:
Agenesis of the corpus callosum with peripheral neuropathy (ACCPN). Also called: CHARLEVOIX DISEASE; POLYNEUROPATHY, SENSORIMOTOR, WITH OR WITHOUT AGENESIS OF THE CORPUS CALLOSUM; HMSN/ACC; Hereditary Motor and Sensory Neuropathy with Agenesis of the Corpus Callosum. Identifiers: Orphanet 1496, MedGen C0795950, MONDO:0000902, OMIM 218000. Disease mechanism: loss of function.

Submission:

Myriad Genetics, Inc.
Classification: Likely pathogenic for Agenesis of the corpus callosum with peripheral neuropathy. Last evaluated: 2022-03-31. Review status: criteria provided, single submitter. Criteria: Myriad Women's Health Autosomal Recessive and X-Linked Classification Criteria (2021). Collection method: clinical testing. Allele origin: unknown.
Comment: NM_133647.1(SLC12A6):c.2260_2266del7ins5(N754Lfs*13) is expected to be pathogenic in the context of Andermann syndrome. This variant is predicted to lead to an abnormal or absent protein product due to the creation of a premature termination codon in SLC12A6, a gene where loss-of-function variants are known to be pathogenic. Please note: this variant was assessed in the context of healthy population screening.